The following is an entry in ClinVar:

NM_032242.4(PLXNA1):c.2579G>A (p.Arg860His)

Gene: PLXNA1 (plexin A1; plus strand). Cytogenetic location: 3q21.3.
Variant type: single nucleotide variant.
Coding change: c.2579G>A on transcript NM_032242.4 (MANE Select); coding-DNA position 2579, G replaced by A.
Protein change: p.Arg860His; replaces arginine 860 with histidine.
Molecular consequence: missense variant.
Genome position (GRCh38, 1-based): chr3:127,014,350, G>A. VCF-style: chr3-127014350-G-A. GRCh37 (hg19) VCF-style: chr3-126733193-G-A.
Other names: short protein forms R860H.
Identifiers: ClinVar variation 2634851 (VCV002634851.2), dbSNP rs745320320, ClinGen allele CA2593668.

ClinVar aggregate classification (germline): Uncertain significance (0 of 4 stars; one submission).

Conditions:
PLXNA1-related disorder. Also called: PLXNA1-related condition.

Allele frequency attached by ClinVar (database versions not stated): ExAC 0.00001; TOPMed 0.00003; gnomAD 0.00005; gnomAD exomes 0.00005.
gnomAD v4.1: 73 of 1,593,946 alleles (0.0046%); highest among the groups gnomAD compares: Non-Finnish European, 0.0056%; no homozygotes.

Submission:

PreventionGenetics, part of Exact Sciences
Classification: Uncertain significance for PLXNA1-related condition. Last evaluated: 2024-04-16. Review status: no assertion criteria provided. Collection method: clinical testing. Allele origin: germline.
Comment: The PLXNA1 c.2579G>A variant is predicted to result in the amino acid substitution p.Arg860His. To our knowledge, this variant has not been reported in the literature. This variant is reported in 0.0095% of alleles in individuals of African descent in gnomAD. At this time, the clinical significance of this variant is uncertain due to the absence of conclusive functional and genetic evidence.